The following is an entry in ClinVar:

ClinVar aggregate classification (germline): Uncertain significance (1 of 4 stars; one submission).

Conditions:
Malignant hyperthermia, susceptibility to, 1 (MHS1). Also called: Anesthesia related hyperthermia; Malignant hyperpyrexia; Fulminating hyperpyrexia; Pharmacogenic myopathy; Malignant hyperthermia suceptibility 1; RYR1-Related Malignant Hyperthermia Susceptibility. Identifiers: Orphanet 423, MedGen C2930980, MONDO:0007783, OMIM 145600.

Submission:

All of Us Research Program, National Institutes of Health
Classification: Uncertain significance for Malignant hyperthermia, susceptibility to, 1. Last evaluated: 2024-08-06. Review status: criteria provided, single submitter. Criteria: ACMG Guidelines, 2015. Collection method: clinical testing. Allele origin: germline. Inheritance: Autosomal dominant inheritance. Observed: 1 variant allele, 1 heterozygote.
Comment: This study involves interpretation of variants in research participants for the purpose of population health screening. Participant phenotype was not available at the time of variant classification. Additional details can be found in publication PMID: 35346344, PMCID: PMC8962531

NM_000540.3(RYR1):c.9832del (p.Cys3278fs)

Gene: RYR1 (ryanodine receptor 1; plus strand). Cytogenetic location: 19q13.2.
Variant type: Deletion.
Coding change: c.9832del on transcript NM_000540.3 (MANE Select); coding-DNA position 9832, one base deleted (T; older notation c.9832delT).
Protein change: p.Cys3278fs; shifts the reading frame from cysteine 3278.
Molecular consequence: frameshift variant.
Genome position (GRCh38, 1-based): chr19:38,517,505, T deleted. VCF-style (leftmost placement, unchanged base first): chr19-38517504-AT-A. GRCh37 (hg19) VCF-style: chr19-39008144-AT-A.
Other names: c.9832del, p.Cys3278fs (NM_001042723.2); short protein forms C3278fs.
Identifiers: ClinVar variation 3385513 (VCV003385513.1).